The following is an entry in ClinVar:

NM_007294.4(BRCA1):c.3640G>C (p.Glu1214Gln)

Genes: BRCA1 (BRCA1 DNA repair associated; minus strand), LOC126862571 (BRD4-independent group 4 enhancer GRCh37_chr17:41243136-41244335; plus strand). Cytogenetic location: 17q21.31.
Variant type: single nucleotide variant.
Coding change: c.3640G>C on transcript NM_007294.4 (MANE Select); coding-DNA position 3640, G replaced by C.
Protein change: p.Glu1214Gln; replaces glutamic acid 1214 with glutamine.
Molecular consequence: missense variant. On other transcripts: intron variant (135).
Genome position (GRCh38, 1-based): chr17:43,091,891, C>G on the plus strand (G>C on the coding strand, the complement: BRCA1 is on the minus strand). VCF-style: chr17-43091891-C-G. GRCh37 (hg19) VCF-style: chr17-41243908-C-G.
Other names: c.3427G>C, p.Glu1143Gln (NM_001407571.1, NM_001407853.1, NM_001407894.1 and 9 more transcripts); c.3640G>C, p.Glu1214Gln (NM_001407581.1, NM_001407582.1, NM_001407583.1 and 30 more transcripts); c.3637G>C, p.Glu1213Gln (NM_001407587.1, NM_001407590.1, NM_001407591.1 and 22 more transcripts); c.3631G>C, p.Glu1211Gln (NM_001407646.1, NM_001407647.1); c.3517G>C, p.Glu1173Gln (NM_001407648.1, NM_001407664.1, NM_001407665.1 and 19 more transcripts); c.3514G>C, p.Glu1172Gln (NM_001407649.1, NM_001407670.1, NM_001407671.1 and 11 more transcripts); c.3562G>C, p.Glu1188Gln (NM_001407653.1, NM_001407654.1, NM_001407655.1 and 4 more transcripts); c.3559G>C, p.Glu1187Gln (NM_001407659.1, NM_001407660.1, NM_001407661.1 and 1 more transcripts); and 41 more; short protein forms E1214Q, E1167Q, E1087Q, E1172Q, E1103Q, E1126Q, E1143Q, E1166Q.
Identifiers: ClinVar variation 917778 (VCV000917778.4), dbSNP rs80356923, ClinGen allele CA10594688.

ClinVar aggregate classification (germline): Conflicting classifications of pathogenicity. Review status: criteria provided, conflicting classifications (1 of 4 stars). 2 submissions from 2 submitters: Uncertain significance (1); Likely benign (1). Last evaluated 2023-03-23.

Conditions:
Hereditary cancer-predisposing syndrome. Also called: Tumor predisposition; Hereditary neoplastic syndrome; Hereditary Cancer Syndrome; Neoplastic Syndromes, Hereditary. Identifiers: Orphanet 140162, MedGen C0027672, MeSH D009386, MONDO:0015356.

Submissions (2):

University of Washington Department of Laboratory Medicine, University of Washington
Classification: Likely benign for Hereditary cancer-predisposing syndrome. Last evaluated: 2023-03-23. Review status: criteria provided, single submitter. Criteria: Dines et al. (Genet Med. 2020). Collection method: curation. Allele origin: germline.
Comment: Missense variant in a coldspot region where missense variants are very unlikely to be pathogenic (PMID:31911673).

BRCA1 coldspot (exon 11 using historical exon numbering). Reclassification based on statistical prior probability

Women's Health and Genetics/Laboratory Corporation of America, LabCorp
Classification: Uncertain significance. Last evaluated: 2020-04-06. Review status: criteria provided, single submitter. Criteria: LabCorp Variant Classification Summary - May 2015. Collection method: clinical testing. Allele origin: germline.
Comment: Variant summary: BRCA1 c.3640G>C (p.Glu1214Gln) results in a conservative amino acid change in the encoded protein sequence. Four of five in-silico tools predict a damaging effect of the variant on protein function. The variant was absent in 251288 control chromosomes (gnomAD). The available data on variant occurrences in the general population are insufficient to allow any conclusion about variant significance. To our knowledge, no occurrence of c.3640G>C in individuals affected with Hereditary Breast and Ovarian Cancer and no experimental evidence demonstrating its impact on protein function have been reported. No clinical diagnostic laboratories have submitted clinical-significance assessments for this variant to ClinVar after 2014. Based on the evidence outlined above, the variant was classified as uncertain significance.